The following is an entry in ClinVar:

NM_001077653.2(TBX20):c.1289A>G (p.Tyr430Cys)

Gene: TBX20 (T-box transcription factor 20; minus strand). Cytogenetic location: 7p14.2.
Variant type: single nucleotide variant.
Coding change: c.1289A>G on transcript NM_001077653.2 (MANE Select); coding-DNA position 1289, A replaced by G.
Protein change: p.Tyr430Cys; replaces tyrosine 430 with cysteine.
Molecular consequence: missense variant.
Genome position (GRCh38, 1-based): chr7:35,202,485, T>C on the plus strand (A>G on the coding strand, the complement: TBX20 is on the minus strand). VCF-style: chr7-35202485-T-C. GRCh37 (hg19) VCF-style: chr7-35242097-T-C.
Other names: short protein forms Y430C.
Identifiers: ClinVar variation 4865347 (VCV004865347.1).

ClinVar aggregate classification (germline): Uncertain significance (1 of 4 stars; one submission).

Conditions:
Cardiovascular phenotype. Identifiers: MedGen CN230736.

gnomAD v4.1: 2 of 1,607,942 alleles (0.00012%); highest among the groups gnomAD compares: South Asian, 0.0022%; no homozygotes.

Submission:

Ambry Genetics
Classification: Uncertain significance for Cardiovascular phenotype. Last evaluated: 2026-05-28. Review status: criteria provided, single submitter. Criteria: Ambry Variant Classification Scheme 2023. Collection method: clinical testing. Allele origin: germline.
Comment: The p.Y430C variant (also known as c.1289A>G), located in coding exon 8 of the TBX20 gene, results from an A to G substitution at nucleotide position 1289. The tyrosine at codon 430 is replaced by cysteine, an amino acid with highly dissimilar properties. This amino acid position is conserved. In addition, this alteration is predicted to be deleterious by in silico analysis. Based on the available evidence, the clinical significance of this variant remains unclear.